The following is an entry in ClinVar:

ClinVar aggregate classification (germline): Pathogenic (1 of 4 stars; one submission).

Conditions:
Ehlers-Danlos syndrome, dermatosparaxis type. Also called: EDS VIIC; Dermatosparaxis; Ehlers-Danlos syndrome, type VII, autosomal recessive. Identifiers: Orphanet 1901, MedGen C2700425, MONDO:0009161, OMIM 225410.

Submission:

Myriad Genetics, Inc.
Classification: Pathogenic for Ehlers-Danlos syndrome, dermatosparaxis type. Last evaluated: 2024-05-14. Review status: criteria provided, single submitter. Criteria: Myriad Autosomal Dominant, Autosomal Recessive and X-Linked Classification Criteria (2023). Collection method: clinical testing. Allele origin: unknown.
Comment: NM_014244.4(ADAMTS2):c.23_24ins19(R9Dfs*63) is expected to be pathogenic in the context of Ehlers-Danlos syndrome, ADAMTS2-related. This variant is predicted to lead to an abnormal or absent protein product due to the creation of a premature termination codon in ADAMTS2, a gene where loss-of-function variants are known to be pathogenic. Please note: this variant was assessed in the context of healthy population screening.

NM_014244.5(ADAMTS2):c.23_24insAGATGTGTATAAGAGACAG (p.Arg9fs)

Gene: ADAMTS2 (ADAM metallopeptidase with thrombospondin type 1 motif 2; minus strand). Cytogenetic location: 5q35.3.
Variant type: Insertion.
Coding change: c.23_24insAGATGTGTATAAGAGACAG on transcript NM_014244.5 (MANE Select); coding-DNA positions 23 to 24, AGATGTGTATAAGAGACAG inserted.
Protein change: p.Arg9fs; shifts the reading frame from arginine 9.
Molecular consequence: frameshift variant.
Genome position: GRCh38 VCF-style: chr5-179345305-A-ACTGTCTCTTATACACATCT. GRCh37 (hg19) VCF-style: chr5-178772306-A-ACTGTCTCTTATACACATCT.
Other names: c.23_24insAGATGTGTATAAGAGACAG, p.Arg9fs (NM_021599.4); short protein forms R9fs.
Identifiers: ClinVar variation 5010956 (VCV005010956.1).